The following is an entry in ClinVar:

NM_006013.5(RPL10):c.578A>G (p.Asp193Gly)

Gene: RPL10 (ribosomal protein L10; plus strand). Cytogenetic location: Xq28.
Variant type: single nucleotide variant.
Coding change: c.578A>G on transcript NM_006013.5 (MANE Select); coding-DNA position 578, A replaced by G.
Protein change: p.Asp193Gly; replaces aspartic acid 193 with glycine.
Molecular consequence: missense variant. On other transcripts: 3 prime UTR variant (1).
Genome position (GRCh38, 1-based): chrX:154,400,787, A>G. VCF-style: chrX-154400787-A-G. GRCh37 (hg19) VCF-style: chrX-153629128-A-G.
Other names: c.415A>G, p.Met139Val (NM_001256577.2); c.470A>G, p.Asp157Gly (NM_001256580.2); c.578A>G, p.Asp193Gly (NM_001303624.2, NM_001303625.1); c.*129A>G (NM_001303626.1); short protein forms D157G, D193G, M139V.
Identifiers: ClinVar variation 977077 (VCV000977077.2), dbSNP rs2068013450, ClinGen allele CA415262061.

ClinVar aggregate classification (germline): Uncertain significance. Review status: criteria provided, multiple submitters, no conflicts (2 of 4 stars). 2 submissions from 2 submitters: Uncertain significance (2). Last evaluated 2023-12-04.

Conditions:
Intellectual developmental disorder, X-linked, syndromic 35. Also called: Intellectual disability, X-linked, syndromic, 35. Identifiers: MedGen C4478383, MONDO:0030908, OMIM 300998.

Submissions (2):

GeneDx
Classification: Uncertain significance. Last evaluated: 2023-12-04. Review status: criteria provided, single submitter. Criteria: GeneDx Variant Classification Process June 2021. Collection method: clinical testing. Allele origin: germline. Affected: yes.
Comment: Not observed at significant frequency in large population cohorts (gnomAD); In silico analysis supports that this missense variant has a deleterious effect on protein structure/function; Has not been previously published as pathogenic or benign to our knowledge

Johns Hopkins Genomics, Johns Hopkins University
Classification: Uncertain significance for Intellectual developmental disorder, X-linked, syndromic 35. Last evaluated: 2020-05-22. Review status: criteria provided, single submitter. Criteria: ACMG Guidelines, 2015. Collection method: clinical testing. Allele origin: germline.
Comment: This RPL10 variant is absent from a large population dataset, and has not been reported in the literature to our knowledge. Two bioinformatic tools queried predict that p.Asp193Gly would be damaging, and the aspartic acid residue at this position is strongly conserved across the species assessed, including yeast. This variant is not predicted to affect normal exon 7 splicing, although this has not been confirmed experimentally to our knowledge. This substitution occurs in the extended C-terminal tail of the RPL10 protein. We consider the clinical significance of c.578A>G to be uncertain at this time.

Literature cited by the submitters: PubMed 18258260 (cited by Johns Hopkins Genomics, Johns Hopkins University); PubMed 25316788 (cited by Johns Hopkins Genomics, Johns Hopkins University); PubMed 25846674 (cited by Johns Hopkins Genomics, Johns Hopkins University); PubMed 26290468 (cited by Johns Hopkins Genomics, Johns Hopkins University); PubMed 7626060 (cited by Johns Hopkins Genomics, Johns Hopkins University).